The following is an entry in ClinVar:

ClinVar aggregate classification (germline): Uncertain significance (1 of 4 stars; one submission).

Conditions:
Atrioventricular septal defect 5 (AVSD5). Identifiers: MedGen C3280939, MONDO:0013769, OMIM 614474.

gnomAD v4.1: 4 of 1,614,148 alleles (0.00025%); highest among the groups gnomAD compares: Admixed American, 0.0017%; no homozygotes.

Submission:

Labcorp Genetics (formerly Invitae), Labcorp
Classification: Uncertain significance for Atrioventricular septal defect 5. Last evaluated: 2025-12-21. Review status: criteria provided, single submitter. Criteria: Invitae Variant Classification Sherloc (09022015). Collection method: clinical testing. Allele origin: germline.
Comment: This sequence change replaces leucine, which is neutral and non-polar, with proline, which is neutral and non-polar, at codon 568 of the GATA6 protein (p.Leu568Pro). This variant is present in population databases (rs750215245, gnomAD 0.003%). This variant has not been reported in the literature in individuals affected with GATA6-related conditions. An algorithm developed to predict the effect of missense changes on protein structure and function (PolyPhen-2) suggests that this variant is likely to be disruptive. In summary, the available evidence is currently insufficient to determine the role of this variant in disease. Therefore, it has been classified as a Variant of Uncertain Significance.

NM_005257.6(GATA6):c.1703T>C (p.Leu568Pro)

Gene: GATA6 (GATA binding protein 6; plus strand). Cytogenetic location: 18q11.2.
Variant type: single nucleotide variant.
Coding change: c.1703T>C on transcript NM_005257.6 (MANE Select); coding-DNA position 1703, T replaced by C.
Protein change: p.Leu568Pro; replaces leucine 568 with proline.
Molecular consequence: missense variant.
Genome position (GRCh38, 1-based): chr18:22,200,738, T>C. VCF-style: chr18-22200738-T-C. GRCh37 (hg19) VCF-style: chr18-19780701-T-C.
Other names: short protein forms L568P.
Identifiers: ClinVar variation 4738890 (VCV004738890.1).
Genomic context (GRCh38, chr18:22,200,738, plus strand): 5'-GTGCGGGAGAGAGCACCAATCCCGAGAACAGCGAGCTCAAGTATTCGGGTCAAGATGGGC[T>C]CTACATAGGCGTCAGTCTCGCCTCGCCGGCCGAAGTCACGTCCTCCGTGCGACCGGATTC-3'
Protein context (NP_005248.2, residues 558-578): SELKYSGQDG[Leu568Pro]YIGVSLASPA